The following is an entry in ClinVar:

ClinVar aggregate classification (germline): Uncertain significance (1 of 4 stars; one submission).

Conditions:
Primary ciliary dyskinesia. Also called: Ciliary dyskinesia. Identifiers: Orphanet 244, MedGen C0008780, MONDO:0016575, HP:0012265.

Submission:

Labcorp Genetics (formerly Invitae), Labcorp
Classification: Uncertain significance for Primary ciliary dyskinesia. Last evaluated: 2022-02-11. Review status: criteria provided, single submitter. Criteria: Invitae Variant Classification Sherloc (09022015). Collection method: clinical testing. Allele origin: germline.
Comment: This sequence change replaces arginine, which is basic and polar, with leucine, which is neutral and non-polar, at codon 2909 of the DNAH5 protein (p.Arg2909Leu). This variant is not present in population databases (gnomAD no frequency). This variant has not been reported in the literature in individuals affected with DNAH5-related conditions. ClinVar contains an entry for this variant (Variation ID: 641437). Advanced modeling of protein sequence and biophysical properties (such as structural, functional, and spatial information, amino acid conservation, physicochemical variation, residue mobility, and thermodynamic stability) performed at Invitae indicates that this missense variant is not expected to disrupt DNAH5 protein function. In summary, the available evidence is currently insufficient to determine the role of this variant in disease. Therefore, it has been classified as a Variant of Uncertain Significance.

NM_001369.3(DNAH5):c.8726G>T (p.Arg2909Leu)

Gene: DNAH5 (dynein axonemal heavy chain 5; minus strand). Cytogenetic location: 5p15.2.
Variant type: single nucleotide variant.
Coding change: c.8726G>T on transcript NM_001369.3 (MANE Select); coding-DNA position 8726, G replaced by T.
Protein change: p.Arg2909Leu; replaces arginine 2909 with leucine.
Molecular consequence: missense variant.
Genome position (GRCh38, 1-based): chr5:13,786,273, C>A on the plus strand (G>T on the coding strand, the complement: DNAH5 is on the minus strand). VCF-style: chr5-13786273-C-A. GRCh37 (hg19) VCF-style: chr5-13786382-C-A.
Other names: short protein forms R2909L.
Identifiers: ClinVar variation 641437 (VCV000641437.9), dbSNP rs756069405, ClinGen allele CA359215363.
Genomic context (GRCh38, chr5:13,786,273, plus strand): 5'-ACCATGTCCATGCCGGCGCCACGGATGCTCTCATTATAGAGCTGCAGGAACATATTCAGA[C>A]GCTCTTTTAGGTGACTAAAAGATTCAATTGGCTCATAAATTTTAGGTGTTTCAGCATCAG-3'
Protein context (NP_001360.1, residues 2899-2919): PIESFSHLKE[Arg2909Leu]LNMFLQLYNE